The following is an entry in ClinVar:

NM_022047.4(DEF6):c.1745T>A (p.Leu582Gln)

Gene: DEF6 (DEF6 guanine nucleotide exchange factor; plus strand). Cytogenetic location: 6p21.31.
Variant type: single nucleotide variant.
Coding change: c.1745T>A on transcript NM_022047.4 (MANE Select); coding-DNA position 1745, T replaced by A.
Protein change: p.Leu582Gln; replaces leucine 582 with glutamine.
Molecular consequence: missense variant.
Genome position (GRCh38, 1-based): chr6:35,321,259, T>A. VCF-style: chr6-35321259-T-A. GRCh37 (hg19) VCF-style: chr6-35289036-T-A.
Other names: c.1745T>A (NM_022047.3); short protein forms L582Q.
Identifiers: ClinVar variation 1445819 (VCV001445819.6), dbSNP rs751075162, ClinGen allele CA3771003.

ClinVar aggregate classification (germline): Uncertain significance. Review status: criteria provided, multiple submitters, no conflicts (2 of 4 stars). 2 submissions from 2 submitters: Uncertain significance (2). Last evaluated 2024-05-30.

Allele frequency attached by ClinVar (database versions not stated): gnomAD exomes 0.00001 and 0.00002; ExAC 0.00002; gnomAD 0.00015 and 0.00018; TOPMed 0.00041.
gnomAD v4.1: 52 of 1,613,478 alleles (0.0032%); highest among the groups gnomAD compares: Admixed American, 0.05%; 1 homozygote.

Submissions (2):

Ambry Genetics
Classification: Uncertain significance. Last evaluated: 2024-05-30. Review status: criteria provided, single submitter. Criteria: Ambry Variant Classification Scheme 2023. Collection method: clinical testing. Allele origin: germline.

Labcorp Genetics (formerly Invitae), Labcorp
Classification: Uncertain significance. Last evaluated: 2023-09-09. Review status: criteria provided, single submitter. Criteria: Invitae Variant Classification Sherloc (09022015). Collection method: clinical testing. Allele origin: germline.
Comment: In summary, the available evidence is currently insufficient to determine the role of this variant in disease. Therefore, it has been classified as a Variant of Uncertain Significance. An algorithm developed to predict the effect of missense changes on protein structure and function (PolyPhen-2) suggests that this variant is likely to be disruptive. ClinVar contains an entry for this variant (Variation ID: 1445819). This variant has not been reported in the literature in individuals affected with DEF6-related conditions. This variant is present in population databases (rs751075162, gnomAD 0.01%). This sequence change replaces leucine, which is neutral and non-polar, with glutamine, which is neutral and polar, at codon 582 of the DEF6 protein (p.Leu582Gln).